The following is an entry in ClinVar:

ClinVar aggregate classification (germline): Pathogenic (0 of 4 stars; one submission).

Conditions:
Central core myopathy (CMYO1A). Also called: Central core disease; Myopathy, central fibrillar; CONGENITAL MYOPATHY 1A, AUTOSOMAL DOMINANT, WITH SUSCEPTIBILITY TO MALIGNANT HYPERTHERMIA. Identifiers: Orphanet 597, MedGen C5830701, MONDO:0007294, OMIM 117000.

Submission:

GeneReviews
Classification: Pathogenic for Central Core Disease. Last evaluated: 2010-05-11. Review status: no assertion criteria provided. Collection method: curation. Allele origin: unknown.
ClinVar note: Converted during submission from pathologic to Pathogenic.

NP_000531.2:p.F4906del

Variant type: Deletion.
Identifiers: ClinVar variation 65938 (VCV000065938.2).